The following is an entry in ClinVar:

NM_014804.3(KIAA0753):c.2155G>C (p.Ala719Pro)

Gene: KIAA0753 (KIAA0753; minus strand). Cytogenetic location: 17p13.1.
Variant type: single nucleotide variant.
Coding change: c.2155G>C on transcript NM_014804.3 (MANE Select); coding-DNA position 2155, G replaced by C.
Protein change: p.Ala719Pro; replaces alanine 719 with proline.
Molecular consequence: missense variant. On other transcripts: non-coding transcript variant (3).
Genome position (GRCh38, 1-based): chr17:6,599,254, C>G on the plus strand (G>C on the coding strand, the complement: KIAA0753 is on the minus strand). VCF-style: chr17-6599254-C-G. GRCh37 (hg19) VCF-style: chr17-6502574-C-G.
Other names: c.1258G>C, p.Ala420Pro (NM_001351225.2); c.2155G>C (NM_014804.2); short protein forms A420P, A719P.
Identifiers: ClinVar variation 3649987 (VCV003649987.3).

ClinVar aggregate classification (germline): Uncertain significance. Review status: criteria provided, multiple submitters, no conflicts (2 of 4 stars). 2 submissions from 2 submitters: Uncertain significance (2). Last evaluated 2025-10-23.

Conditions:
Inborn genetic diseases. Identifiers: MedGen C0950123, MeSH D030342.

Submissions (2):

Ambry Genetics
Classification: Uncertain significance for Inborn genetic diseases. Last evaluated: 2025-10-23. Review status: criteria provided, single submitter. Criteria: Ambry Variant Classification Scheme 2023. Collection method: clinical testing. Allele origin: germline.

Labcorp Genetics (formerly Invitae), Labcorp
Classification: Uncertain significance. Last evaluated: 2024-04-25. Review status: criteria provided, single submitter. Criteria: Invitae Variant Classification Sherloc (09022015). Collection method: clinical testing. Allele origin: germline.
Comment: This sequence change replaces alanine, which is neutral and non-polar, with proline, which is neutral and non-polar, at codon 719 of the KIAA0753 protein (p.Ala719Pro). This variant is not present in population databases (gnomAD no frequency). This variant has not been reported in the literature in individuals affected with KIAA0753-related conditions. An algorithm developed to predict the effect of missense changes on protein structure and function (PolyPhen-2) suggests that this variant is likely to be tolerated. In summary, the available evidence is currently insufficient to determine the role of this variant in disease. Therefore, it has been classified as a Variant of Uncertain Significance.